The following is an entry in ClinVar:

ClinVar aggregate classification (germline): Uncertain significance (1 of 4 stars; one submission).

Conditions:
Inborn genetic diseases. Identifiers: MedGen C0950123, MeSH D030342.

gnomAD v4.1: 3 of 1,527,598 alleles (0.0002%); highest among the groups gnomAD compares: Non-Finnish European, 0.00026%; no homozygotes.

Submission:

Ambry Genetics
Classification: Uncertain significance for Inborn genetic diseases. Last evaluated: 2025-07-24. Review status: criteria provided, single submitter. Criteria: Ambry Variant Classification Scheme 2023. Collection method: clinical testing. Allele origin: germline.
Comment: The p.W487R variant (also known as c.1459T>C), located in coding exon 4 of the SMAD6 gene, results from a T to C substitution at nucleotide position 1459. The tryptophan at codon 487 is replaced by arginine, an amino acid with dissimilar properties. This amino acid position is conserved. In addition, this alteration is predicted to be deleterious by in silico analysis. Based on the available evidence, the clinical significance of this variant remains unclear.

NM_005585.5(SMAD6):c.1459T>C (p.Trp487Arg)

Gene: SMAD6 (SMAD family member 6; plus strand). Cytogenetic location: 15q22.31.
Variant type: single nucleotide variant.
Coding change: c.1459T>C on transcript NM_005585.5 (MANE Select); coding-DNA position 1459, T replaced by C.
Protein change: p.Trp487Arg; replaces tryptophan 487 with arginine.
Molecular consequence: missense variant. On other transcripts: non-coding transcript variant (1).
Genome position (GRCh38, 1-based): chr15:66,781,503, T>C. VCF-style: chr15-66781503-T-C. GRCh37 (hg19) VCF-style: chr15-67073841-T-C.
Other names: short protein forms W487R.
Identifiers: ClinVar variation 4170070 (VCV004170070.1).
Genomic context (GRCh38, chr15:66,781,503, plus strand): 5'-AGCTTCGCCAAGGGCTGGGGGCCCTGCTACTCCCGGCAGTTCATCACCTCCTGCCCCTGC[T>C]GGCTGGAGATCCTCCTCAACAACCCCAGATAGTGGCGGCCCCGGCGGGAGGGGCGGGTGG-3'
Protein context (NP_005576.3, residues 477-496): SRQFITSCPC[Trp487Arg]LEILLNNPR